The following is an entry in ClinVar:

NM_000081.4(LYST):c.10564+43G>A

Gene: LYST (lysosomal trafficking regulator; minus strand). Cytogenetic location: 1q42.3.
Variant type: single nucleotide variant.
Coding change: c.10564+43G>A on transcript NM_000081.4 (MANE Select); 43 bases into the intron after coding-DNA position 10564, G replaced by A.
Molecular consequence: intron variant.
Genome position (GRCh38, 1-based): chr1:235,697,040, C>T on the plus strand (G>A on the coding strand, the complement: LYST is on the minus strand). VCF-style: chr1-235697040-C-T. GRCh37 (hg19) VCF-style: chr1-235860340-C-T.
Other names: c.10564+43G>A (NM_001301365.1).
Identifiers: ClinVar variation 254908 (VCV000254908.5), dbSNP rs7541057, ClinGen allele CA1465341.

ClinVar aggregate classification (germline): Benign. Review status: criteria provided, multiple submitters, no conflicts (2 of 4 stars). 4 submissions from 4 submitters: Benign (4). Last evaluated 2023-11-12.

Allele frequency attached by ClinVar (database versions not stated): 1000 Genomes Project 0.39996; 1000 Genomes Project 30x 0.41224; gnomAD exomes 0.42036; ExAC 0.43660; TOPMed 0.53195; gnomAD 0.53301 and 0.55363; ESP Exome Variant Server 0.58228.
gnomAD v4.1: 757,778 of 1,571,076 alleles (48%); highest among the groups gnomAD compares: African/African-American, 72%; 195,556 homozygotes.

Submissions (4):

Unidad de Genómica Garrahan, Hospital de Pediatría Garrahan
Classification: Benign. Last evaluated: 2023-11-12. Review status: criteria provided, single submitter. Criteria: ACMG Guidelines, 2015. Collection method: clinical testing. Allele origin: germline. Affected: no. Observed: 41 variant alleles.
Comment: This variant is classified as Benign based on local population frequency. This variant was detected in 43% of patients studied by a panel of primary immunodeficiencies. Number of patients: 41. Only high quality variants are reported.

GeneDx
Classification: Benign. Last evaluated: 2018-06-19. Review status: criteria provided, single submitter. Criteria: GeneDx Variant Classification (06012015). Collection method: clinical testing. Allele origin: germline. Affected: yes.
Comment: This variant is considered likely benign or benign based on one or more of the following criteria: it is a conservative change, it occurs at a poorly conserved position in the protein, it is predicted to be benign by multiple in silico algorithms, and/or has population frequency not consistent with disease.

Breakthrough Genomics
Classification: Benign. Review status: criteria provided, single submitter. Criteria: ACMG Guidelines, 2015. Collection method: not provided. Allele origin: germline. Inheritance: Autosomal recessive inheritance. Affected: yes.

PreventionGenetics, part of Exact Sciences
Classification: Benign. Review status: criteria provided, single submitter. Criteria: ACMG Guidelines, 2015. Collection method: clinical testing. Allele origin: germline.